The following is an entry in ClinVar:

ClinVar aggregate classification (germline): Benign/Likely benign. Review status: criteria provided, multiple submitters, no conflicts (2 of 4 stars). 8 submissions from 8 submitters: Benign (4); Likely benign (3). 1 of the submissions does not count toward it. Last evaluated 2026-02-04.

Conditions:
Hereditary cancer-predisposing syndrome. Also called: Tumor predisposition; Hereditary Cancer Syndrome; Neoplastic Syndromes, Hereditary; Hereditary neoplastic syndrome. Identifiers: Orphanet 140162, MedGen C0027672, MeSH D009386, MONDO:0015356.
Gorlin syndrome. Also called: Nevoid Basal Cell Carcinoma Syndrome; Basal cell nevus syndrome. Identifiers: Orphanet 377, MedGen C0004779, MONDO:0007187.
PTCH1-related disorder. Also called: PTCH1-related disorders; PTCH1-related condition.

Allele frequency attached by ClinVar (database versions not stated): gnomAD exomes 0.00005 and 0.00011; ExAC 0.00020; gnomAD 0.00044 and 0.00048; TOPMed 0.00047; ESP Exome Variant Server 0.00054; 1000 Genomes Project 0.00060; 1000 Genomes Project 30x 0.00109.
gnomAD v4.1: 140 of 1,611,648 alleles (0.0087%); highest among the groups gnomAD compares: African/African-American, 0.14%; 1 homozygote.

Submissions (8):

Labcorp Genetics (formerly Invitae), Labcorp
Classification: Benign for Gorlin syndrome. Last evaluated: 2026-02-04. Review status: criteria provided, single submitter. Criteria: Invitae Variant Classification Sherloc (09022015). Collection method: clinical testing. Allele origin: germline.

Blueprint Genetics
Classification: Likely benign. Last evaluated: 2024-10-18. Review status: criteria provided, single submitter. Criteria: ACMG Guidelines, 2015. Collection method: clinical testing. Allele origin: germline.

CeGaT Center for Human Genetics Tuebingen
Classification: Likely benign. Last evaluated: 2023-09-01. Review status: criteria provided, single submitter. Criteria: CeGaT Center For Human Genetics Tuebingen Variant Classification Criteria Version 2. Collection method: clinical testing. Allele origin: germline. Affected: yes. Observed: 1 variant allele.
Comment: PTCH1: BP4, BP7, BS1

KCCC/NGS Laboratory, Kuwait Cancer Control Center
Classification: Benign for Basal cell nevus syndrome 1. Last evaluated: 2023-07-07. Review status: criteria provided, single submitter. Criteria: ACMG Guidelines, 2015. Collection method: clinical testing. Allele origin: germline. Affected: yes.

Women's Health and Genetics/Laboratory Corporation of America, LabCorp
Classification: Benign. Last evaluated: 2022-02-14. Review status: criteria provided, single submitter. Criteria: LabCorp Variant Classification Summary - May 2015. Collection method: clinical testing. Allele origin: germline.

Sema4
Classification: Benign for Hereditary cancer-predisposing syndrome. Last evaluated: 2021-06-07. Review status: criteria provided, single submitter. Criteria: Sema4 Curation Guidelines. Collection method: curation. Allele origin: germline.

Ambry Genetics
Classification: Likely benign for Hereditary cancer-predisposing syndrome. Last evaluated: 2017-06-16. Review status: criteria provided, single submitter. Criteria: Ambry Variant Classification Scheme 2023. Collection method: clinical testing. Allele origin: germline.

PreventionGenetics, part of Exact Sciences
Classification: Likely benign for PTCH1-related condition. Last evaluated: 2019-11-26. Review status: no assertion criteria provided. Collection method: clinical testing. Allele origin: germline. Not counted in ClinVar's aggregate classification.
Comment: This variant is classified as likely benign based on ACMG/AMP sequence variant interpretation guidelines (Richards et al. 2015 PMID: 25741868, with internal and published modifications).

NM_000264.5(PTCH1):c.3687G>A (p.Thr1229=)

Gene: PTCH1 (patched 1; minus strand). Cytogenetic location: 9q22.32.
Variant type: single nucleotide variant.
Coding change: c.3687G>A on transcript NM_000264.5 (MANE Select); coding-DNA position 3687, G replaced by A.
Protein change: p.Thr1229=; no amino-acid change (threonine 1229 retained).
Molecular consequence: synonymous variant. On other transcripts: non-coding transcript variant (1).
Genome position (GRCh38, 1-based): chr9:95,449,186, C>T on the plus strand (G>A on the coding strand, the complement: PTCH1 is on the minus strand). VCF-style: chr9-95449186-C-T. GRCh37 (hg19) VCF-style: chr9-98211468-C-T.
Other names: c.3489G>A, p.Thr1163= (NM_001083602.3); c.3684G>A, p.Thr1228= (NM_001083603.3); c.3234G>A, p.Thr1078= (NM_001083604.3, NM_001083605.3, NM_001083606.3 and 1 more transcripts); c.3531G>A, p.Thr1177= (NM_001354918.2).
Identifiers: ClinVar variation 237487 (VCV000237487.45), dbSNP rs139123130, ClinGen allele CA5138083.